The following is an entry in ClinVar:

ClinVar aggregate classification (germline): Uncertain significance (1 of 4 stars; one submission).

Conditions:
Intellectual developmental disorder with or without epilepsy or cerebellar ataxia. Identifiers: MedGen C4748041, MONDO:0060745, OMIM 618060.

Submission:

Baylor Genetics
Classification: Uncertain significance for Intellectual developmental disorder with or without epilepsy or cerebellar ataxia. Last evaluated: 2019-03-28. Review status: criteria provided, single submitter. Criteria: ACMG Guidelines, 2015. Collection method: clinical testing. Allele origin: paternal. Affected: yes.
Comment: This variant was determined to be of uncertain significance according to ACMG Guidelines, 2015 [PMID:25741868].

NM_134261.3(RORA):c.1210T>C (p.Phe404Leu)

Genes: RORA (RAR related orphan receptor A; minus strand), RORA-AS1 (RORA antisense RNA 1; plus strand). Cytogenetic location: 15q22.2.
Variant type: single nucleotide variant.
Coding change: c.1210T>C on transcript NM_134261.3 (MANE Select); coding-DNA position 1210, T replaced by C.
Protein change: p.Phe404Leu; replaces phenylalanine 404 with leucine.
Molecular consequence: missense variant.
Genome position (GRCh38, 1-based): chr15:60,501,043, A>G on the plus strand (T>C on the coding strand, the complement: RORA is on the minus strand). VCF-style: chr15-60501043-A-G. GRCh37 (hg19) VCF-style: chr15-60793242-A-G.
Other names: c.1285T>C, p.Phe429Leu (NM_002943.4); c.1309T>C, p.Phe437Leu (NM_134260.3); c.1045T>C, p.Phe349Leu (NM_134262.3); short protein forms F349L, F404L, F429L, F437L.
Identifiers: ClinVar variation 1031120 (VCV001031120.1), dbSNP rs2065315266, ClinGen allele CA392667905.
Genomic context (GRCh38, chr15:60,501,043, plus strand): 5'-AAAATAATGCAATTTCATCTTCAGTCAGGTGCATAGAACATAAACTCTTTCCAAATTCAA[A>G]CACAAAGCTAATAAAGTCTTCACAACCTGCCAAAATGAAAACAAAGACAGTTTAGAATTT-3'
Protein context (NP_599023.1, residues 394-414): LGCEDFISFV[Phe404Leu]EFGKSLCSMH